The following is an entry in ClinVar:

ClinVar aggregate classification (germline): Conflicting classifications of pathogenicity. Review status: criteria provided, conflicting classifications (1 of 4 stars). 6 submissions from 6 submitters: Uncertain significance (1); Likely benign (4). 1 of the submissions does not count toward it. Last evaluated 2026-09-01.

Conditions:
Inborn genetic diseases. Identifiers: MedGen C0950123, MeSH D030342.
TGM5-related disorder. Also called: TGM5-related condition.
Acral peeling skin syndrome. Also called: Peeling skin syndrome 2. Identifiers: Orphanet 263534, MedGen C1853354, MONDO:0012345, OMIM 609796.

Allele frequency attached by ClinVar (database versions not stated): ExAC 0.00187; gnomAD exomes 0.00198; ESP Exome Variant Server 0.00285; gnomAD 0.00356 and 0.00367; 1000 Genomes Project 0.00379; 1000 Genomes Project 30x 0.00390; TOPMed 0.00418.
gnomAD v4.1: 2,396 of 1,613,788 alleles (0.15%); highest among the groups gnomAD compares: Middle Eastern, 0.87%; 10 homozygotes.

Submissions (6):

CeGaT Center for Human Genetics Tuebingen
Classification: Likely benign. Last evaluated: 2026-09-01. Review status: criteria provided, single submitter. Criteria: CeGaT Center For Human Genetics Tuebingen Variant Classification Criteria Version 2. Collection method: clinical testing. Allele origin: germline. Affected: yes. Observed: 1 variant allele.
Comment: TGM5: BP4

Genomic Medicine Center of Excellence, King Faisal Specialist Hospital and Research Centre
Classification: Likely benign. Last evaluated: 2025-08-18. Review status: criteria provided, single submitter. Criteria: ACMG Guidelines, 2015. Collection method: clinical testing. Allele origin: germline.

Ambry Genetics
Classification: Uncertain significance for Inborn genetic diseases. Last evaluated: 2024-12-23. Review status: criteria provided, single submitter. Criteria: Ambry Variant Classification Scheme 2023. Collection method: clinical testing. Allele origin: germline.

Illumina Laboratory Services, Illumina
Classification: Likely benign for Acral peeling skin syndrome. Last evaluated: 2018-01-13. Review status: criteria provided, single submitter. Criteria: ICSL Variant Classification Criteria 13 December 2019. Collection method: clinical testing. Allele origin: germline.
Comment: This variant was observed in the ICSL laboratory as part of a predisposition screen in an ostensibly healthy population. It had not been previously curated by ICSL or reported in the Human Gene Mutation Database (HGMD: prior to June 1st, 2018), and was therefore a candidate for classification through an automated scoring system. Utilizing variant allele frequency, disease prevalence and penetrance estimates, and inheritance mode, an automated score was calculated to assess if this variant is too frequent to cause the disease. Based on the score and internal cut-off values, a variant classified as likely benign is not then subjected to further curation. The score for this variant resulted in a classification of likely benign for this disease.

Breakthrough Genomics
Classification: Likely benign. Review status: criteria provided, single submitter. Criteria: ACMG Guidelines, 2015. Collection method: not provided. Allele origin: germline. Inheritance: Autosomal recessive inheritance. Affected: yes.

PreventionGenetics, part of Exact Sciences
Classification: Benign for TGM5-related condition. Last evaluated: 2019-07-26. Review status: no assertion criteria provided. Collection method: clinical testing. Allele origin: germline. Not counted in ClinVar's aggregate classification.
Comment: This variant is classified as benign based on ACMG/AMP sequence variant interpretation guidelines (Richards et al. 2015 PMID: 25741868, with internal and published modifications).

NM_201631.4(TGM5):c.723C>G (p.Asn241Lys)

Gene: TGM5 (transglutaminase 5; minus strand). Cytogenetic location: 15q15.2.
Variant type: single nucleotide variant.
Coding change: c.723C>G on transcript NM_201631.4 (MANE Select); coding-DNA position 723, C replaced by G.
Protein change: p.Asn241Lys; replaces asparagine 241 with lysine.
Molecular consequence: missense variant.
Genome position (GRCh38, 1-based): chr15:43,252,898, G>C on the plus strand (C>G on the coding strand, the complement: TGM5 is on the minus strand). VCF-style: chr15-43252898-G-C. GRCh37 (hg19) VCF-style: chr15-43545096-G-C.
Other names: c.477C>G, p.Asn159Lys (NM_004245.4); short protein forms N241K, N159K.
Identifiers: ClinVar variation 316059 (VCV000316059.13), dbSNP rs35578968, ClinGen allele CA7521226.